The following is an entry in ClinVar:

NM_004415.4(DSP):c.4609C>T (p.Arg1537Cys)

Gene: DSP (desmoplakin; plus strand). Cytogenetic location: 6p24.3.
Variant type: single nucleotide variant.
Coding change: c.4609C>T on transcript NM_004415.4 (MANE Select); coding-DNA position 4609, C replaced by T.
Protein change: p.Arg1537Cys; replaces arginine 1537 with cysteine.
Molecular consequence: missense variant. On other transcripts: intron variant (2).
Genome position (GRCh38, 1-based): chr6:7,580,799, C>T. VCF-style: chr6-7580799-C-T. GRCh37 (hg19) VCF-style: chr6-7581032-C-T.
Other names: c.4050+559C>T (NM_001319034.2); c.3582+1027C>T (NM_001008844.3); c.4609C>T (NM_004415.3); short protein forms R1537C.
Identifiers: ClinVar variation 44917 (VCV000044917.82), dbSNP rs28763967, ClinGen allele CA004132.
Genomic context (GRCh38, chr6:7,580,799, plus strand): 5'-GCAAACAGTAGTGCGACGGAGACAATAAACAAACTGAAGGTTCAGGAGCAAGAACTGACA[C>T]GCCTGAGGATCGACTATGAAAGGGTTTCCCAGGAGAGGACTGTGAAGGACCAGGATATCA-3'
Protein context (NP_004406.2, residues 1527-1547): KLKVQEQELT[Arg1537Cys]LRIDYERVSQ

ClinVar aggregate classification (germline): Benign/Likely benign. Review status: criteria provided, multiple submitters, no conflicts (2 of 4 stars). 25 submissions from 23 submitters: Benign (14); Likely benign (6). 5 of the submissions do not count toward it. Last evaluated 2026-09-01.

Conditions:
Brugada syndrome. Also called: Sudden Unexplained Death Syndrome; Sudden Unexplained Nocturnal Death Syndrome (SUNDS); Sudden unexpected nocturnal death syndrome; Sudden unexplained nocturnal death syndrome. Identifiers: Orphanet 130, MedGen C1142166, MONDO:0015263.
Arrhythmogenic right ventricular cardiomyopathy (ARVD). Also called: Arrhythmogenic Right Ventricular Cardiomyopathy (ARVC); Cardiomyopathy, ARVC; Arrhythmogenic right ventricular dysplasia; Arrhythmogenic cardiomyopathy. Identifiers: Orphanet 247, MedGen C0349788, MeSH D019571, MONDO:0016587. Disease mechanism: loss of function. Inheritance: Various modes of inheritance.
Cardiovascular phenotype. Identifiers: MedGen CN230736.
Arrhythmogenic cardiomyopathy with wooly hair and keratoderma. Also called: Carvajal syndrome; Dilated cardiomyopathy with woolly hair and keratoderma; Arrhythmogenic cardiomyopathy with woolly hair and keratoderma; PALMOPLANTAR KERATODERMA WITH LEFT VENTRICULAR CARDIOMYOPATHY AND WOOLLY HAIR. Identifiers: Orphanet 65282, MedGen C1854063, MONDO:0011581, OMIM 605676.
Arrhythmogenic right ventricular dysplasia 8 (ARVD8). Also called: Arrhythmogenic Right Ventricular Dysplasia/Cardiomyopathy 8; ARRHYTHMOGENIC RIGHT VENTRICULAR DYSPLASIA, FAMILIAL, 8; ARRHYTHMOGENIC RIGHT VENTRICULAR CARDIOMYOPATHY 8. Identifiers: MedGen C1843896, MONDO:0011831, OMIM 607450.
Cardiomyopathy (CMYO). Also called: Cardiomyopathies. Identifiers: Orphanet 167848, MedGen C0878544, MONDO:0004994, HP:0001638. Inheritance: Various modes of inheritance.
Woolly hair-skin fragility syndrome (WHSF). Identifiers: Orphanet 293165, MedGen C1843292, MONDO:0957307, OMIM 620415.
Lethal acantholytic epidermolysis bullosa (EBLA). Identifiers: Orphanet 158687, MedGen C1864826, MONDO:0012323, OMIM 609638.
Cardiomyopathy, dilated, with wooly hair, keratoderma, and tooth agenesis. Also called: Cardiomyopathy, dilated, with woolly hair, keratoderma, and tooth agenesis; Erythrokeratodermia-cardiomyopathy syndrome. Identifiers: Orphanet 476096, Orphanet 65282, MedGen C4014393, MONDO:0014355, OMIM 615821.
Keratosis palmoplantaris striata 2. Also called: KERATODERMA, PALMOPLANTAR, STRIATE FORM II; STRIATE PALMOPLANTAR KERATODERMA II; Keratosis palmoplantaris striata II. Identifiers: MedGen C1852127, MONDO:0013034, OMIM 612908.

Allele frequency attached by ClinVar (database versions not stated): 1000 Genomes Project 30x 0.00406; gnomAD exomes 0.00879; ExAC 0.00914; TOPMed 0.01004; 1000 Genomes Project 0.00359; gnomAD 0.00898 and 0.00925; ESP Exome Variant Server 0.01046.
gnomAD v4.1: 21,306 of 1,614,112 alleles (1.3%); highest among the groups gnomAD compares: Non-Finnish European, 1.7%; 189 homozygotes.

Submissions (25):

CeGaT Center for Human Genetics Tuebingen
Classification: Likely benign. Last evaluated: 2026-09-01. Review status: criteria provided, single submitter. Criteria: CeGaT Center For Human Genetics Tuebingen Variant Classification Criteria Version 2. Collection method: clinical testing. Allele origin: germline. Affected: yes. Observed: 52 variant alleles.
Comment: DSP: PM5, BS1, BS2

Labcorp Genetics (formerly Invitae), Labcorp
Classification: Benign for Arrhythmogenic cardiomyopathy with wooly hair and keratoderma; Arrhythmogenic right ventricular dysplasia 8. Last evaluated: 2026-02-03. Review status: criteria provided, single submitter. Criteria: Invitae Variant Classification Sherloc (09022015). Collection method: clinical testing. Allele origin: germline.

Molecular Diagnostic Laboratory for Inherited Cardiovascular Disease, Montreal Heart Institute
Classification: Likely benign. Last evaluated: 2025-02-17. Review status: criteria provided, single submitter. Criteria: ACMG Guidelines, 2015. Collection method: clinical testing. Allele origin: germline. Affected: no.
Comment: BS1;BP4

ARUP Laboratories, Molecular Genetics and Genomics, ARUP Laboratories
Classification: Benign. Last evaluated: 2024-12-07. Review status: criteria provided, single submitter. Criteria: ARUP Molecular Germline Variant Investigation Process 2024. Collection method: clinical testing. Allele origin: germline.

Blueprint Genetics
Classification: Likely benign. Last evaluated: 2024-11-26. Review status: criteria provided, single submitter. Criteria: ACMG Guidelines, 2015. Collection method: clinical testing. Allele origin: germline.

Mayo Clinic Laboratories, Mayo Clinic
Classification: Benign. Last evaluated: 2023-04-17. Review status: criteria provided, single submitter. Criteria: ACMG Guidelines, 2015. Collection method: clinical testing. Allele origin: germline. Observed: 30 variant alleles.
Comment: BS1, BS2

Fulgent Genetics
Classification: Benign for Arrhythmogenic cardiomyopathy with wooly hair and keratoderma; Arrhythmogenic right ventricular dysplasia 8; Lethal acantholytic epidermolysis bullosa; Keratosis palmoplantaris striata 2; Cardiomyopathy, dilated, with wooly hair, keratoderma, and tooth agenesis. Last evaluated: 2021-08-09. Review status: criteria provided, single submitter. Criteria: ACMG Guidelines, 2015. Collection method: clinical testing. Allele origin: unknown.

Center for Advanced Laboratory Medicine, UC San Diego Health, University of California San Diego
Classification: Benign for Brugada syndrome; Arrhythmogenic right ventricular cardiomyopathy. Last evaluated: 2019-02-16. Review status: criteria provided, single submitter. Criteria: ACMG Guidelines, 2015. Collection method: clinical testing. Allele origin: germline. Affected: yes. Observed: 2 variant alleles.

Color Diagnostics, LLC DBA Color Health
Classification: Benign for Cardiomyopathy. Last evaluated: 2018-03-08. Review status: criteria provided, single submitter. Criteria: ACMG Guidelines, 2015. Collection method: clinical testing. Allele origin: germline.

Illumina Laboratory Services, Illumina
Classification: Likely benign for Arrhythmogenic right ventricular dysplasia 8. Last evaluated: 2018-01-12. Review status: criteria provided, single submitter. Criteria: ICSL Variant Classification Criteria 13 December 2019. Collection method: clinical testing. Allele origin: germline.
Comment: This variant was observed in the ICSL laboratory as part of a predisposition screen in an ostensibly healthy population. It had not been previously curated by ICSL or reported in the Human Gene Mutation Database (HGMD: prior to June 1st, 2018), and was therefore a candidate for classification through an automated scoring system. Utilizing variant allele frequency, disease prevalence and penetrance estimates, and inheritance mode, an automated score was calculated to assess if this variant is too frequent to cause the disease. Based on the score and internal cut-off values, a variant classified as likely benign is not then subjected to further curation. The score for this variant resulted in a classification of likely benign for this disease.

Illumina Laboratory Services, Illumina
Classification: Benign for Arrhythmogenic cardiomyopathy with wooly hair and keratoderma. Last evaluated: 2018-01-12. Review status: criteria provided, single submitter. Criteria: ICSL Variant Classification Criteria 13 December 2019. Collection method: clinical testing. Allele origin: germline.
Comment: This variant was observed in the ICSL laboratory as part of a predisposition screen in an ostensibly healthy population. It had not been previously curated by ICSL or reported in the Human Gene Mutation Database (HGMD: prior to June 1st, 2018), and was therefore a candidate for classification through an automated scoring system. Utilizing variant allele frequency, disease prevalence and penetrance estimates, and inheritance mode, an automated score was calculated to assess if this variant is too frequent to cause the disease. Based on the score and internal cut-off values, a variant classified as benign is not then subjected to further curation. The score for this variant resulted in a classification of benign for this disease.

Illumina Laboratory Services, Illumina
Classification: Benign for Lethal acantholytic epidermolysis bullosa. Last evaluated: 2018-01-12. Review status: criteria provided, single submitter. Criteria: ICSL Variant Classification Criteria 13 December 2019. Collection method: clinical testing. Allele origin: germline.
Comment: the same text as in the submission from Illumina Laboratory Services, Illumina above.

Agnes Ginges Centre for Molecular Cardiology, Centenary Institute
Classification: Benign for Arrhythmogenic right ventricular dysplasia 8. Last evaluated: 2017-03-15. Review status: criteria provided, single submitter. Criteria: ACMG Guidelines, 2015. Collection method: research. Allele origin: germline. Inheritance: Autosomal dominant inheritance. Affected: yes.
Comment: The DSP Arg1537Cys variant has a high frequency in the 1000 genomes project (MAF= 0.0036), as well as the Exome Aggregation Consortium dataset (MAF= 0.0091). As a result we classify the DSP Arg1537Cys variant as "benign".

Center for Pediatric Genomic Medicine, Children's Mercy Hospital and Clinics
Classification: Likely benign. Last evaluated: 2017-01-03. Review status: criteria provided, single submitter. Criteria: ACMG Guidelines, 2015. Collection method: clinical testing. Allele origin: germline.
ClinVar note: Converted during submission from Likely Benign to Likely benign.

Ambry Genetics
Classification: Benign for Cardiovascular phenotype. Last evaluated: 2015-10-09. Review status: criteria provided, single submitter. Criteria: Ambry Variant Classification Scheme 2023. Collection method: clinical testing. Allele origin: germline.

GeneDx
Classification: Benign. Last evaluated: 2015-03-03. Review status: criteria provided, single submitter. Criteria: GeneDx Variant Classification Process June 2021. Collection method: clinical testing. Allele origin: germline. Affected: yes.
Comment: This variant is associated with the following publications: (PMID: 33232181, 31402444, 27153395, 19863551, 25445213)

Biesecker Lab/Clinical Genomics Section, National Institutes of Health
Classification: Benign. Last evaluated: 2013-06-24. Review status: criteria provided, single submitter. Criteria: Ng et al. (Circ Cardiovasc Genet. 2013). Collection method: research. Allele origin: unknown. Observed: 9 variant alleles. Study: ClinSeq.
Comment: The study set was not selected for affection status in relation to any cancer. Pathogenicity categories were based on literature curation. See Pubmed ID:23861362 for details.

Medical sequencing

Laboratory for Molecular Medicine, Mass General Brigham Personalized Medicine
Classification: Benign. Last evaluated: 2010-09-21. Review status: criteria provided, single submitter. Criteria: LMM Criteria. Collection method: clinical testing. Allele origin: germline. Observed: 42 variant alleles.
Comment: Arg1537Cys in exon 23 of DSP: This missense variant has been reported in the SN P database with a frequency of 5.6% (dbSNP; rs28763967). While we cannot exclude the possibility that this variant contributes to disease, its high frequency su ggests that it is more likely benign.

Breakthrough Genomics
Classification: Likely benign. Review status: criteria provided, single submitter. Criteria: ACMG Guidelines, 2015. Collection method: not provided. Allele origin: germline. Inheritance: Autosomal recessive inheritance. Affected: yes.

PreventionGenetics, part of Exact Sciences
Classification: Benign. Review status: criteria provided, single submitter. Criteria: ACMG Guidelines, 2015. Collection method: clinical testing. Allele origin: germline.

Clinical Genetics DNA and cytogenetics Diagnostics Lab, Erasmus MC, Erasmus Medical Center
Classification: Benign. Review status: no assertion criteria provided. Collection method: clinical testing. Allele origin: germline. Affected: yes. Study: VKGL Data-share Consensus. Not counted in ClinVar's aggregate classification.

Clinical Genetics, Academic Medical Center
Classification: Benign. Review status: no assertion criteria provided. Collection method: clinical testing. Allele origin: germline. Affected: yes. Study: VKGL Data-share Consensus. Not counted in ClinVar's aggregate classification.

Diagnostic Laboratory, Department of Genetics, University Medical Center Groningen
Classification: Likely benign. Review status: no assertion criteria provided. Collection method: clinical testing. Allele origin: germline. Affected: yes. Study: VKGL Data-share Consensus. Not counted in ClinVar's aggregate classification.

Genome Diagnostics Laboratory, University Medical Center Utrecht
Classification: Benign. Review status: no assertion criteria provided. Collection method: clinical testing. Allele origin: germline. Affected: yes. Study: VKGL Data-share Consensus. Not counted in ClinVar's aggregate classification.

Joint Genome Diagnostic Labs from Nijmegen and Maastricht, Radboudumc and MUMC+
Classification: Benign. Review status: no assertion criteria provided. Collection method: clinical testing. Allele origin: germline. Affected: yes. Study: VKGL Data-share Consensus. Not counted in ClinVar's aggregate classification.

Literature cited by the submitters: PubMed 20152563 (cited by Agnes Ginges Centre for Molecular Cardiology, Centenary Institute); PubMed 20031617 (cited by Agnes Ginges Centre for Molecular Cardiology, Centenary Institute).